The following is an entry in ClinVar:

ClinVar aggregate classification (germline): Uncertain significance (1 of 4 stars; one submission).

gnomAD v4.1: 3 of 1,613,856 alleles (0.00019%); highest among the groups gnomAD compares: Non-Finnish European, 0.00025%; no homozygotes.

Submission:

Labcorp Genetics (formerly Invitae), Labcorp
Classification: Uncertain significance. Last evaluated: 2025-12-24. Review status: criteria provided, single submitter. Criteria: Invitae Variant Classification Sherloc (09022015). Collection method: clinical testing. Allele origin: germline.
Comment: This sequence change replaces leucine, which is neutral and non-polar, with phenylalanine, which is neutral and non-polar, at codon 425 of the ABCC6 protein (p.Leu425Phe). This variant is not present in population databases (gnomAD no frequency). This variant has not been reported in the literature in individuals affected with ABCC6-related conditions. Invitae Evidence Modeling of protein sequence and biophysical properties (such as structural, functional, and spatial information, amino acid conservation, physicochemical variation, residue mobility, and thermodynamic stability) indicates that this missense variant is not expected to disrupt ABCC6 protein function with a negative predictive value of 95%. In summary, the available evidence is currently insufficient to determine the role of this variant in disease. Therefore, it has been classified as a Variant of Uncertain Significance.

NM_001171.6(ABCC6):c.1273C>T (p.Leu425Phe)

Gene: ABCC6 (ATP binding cassette subfamily C member 6; minus strand). Cytogenetic location: 16p13.11.
Variant type: single nucleotide variant.
Coding change: c.1273C>T on transcript NM_001171.6 (MANE Select); coding-DNA position 1273, C replaced by T.
Protein change: p.Leu425Phe; replaces leucine 425 with phenylalanine.
Molecular consequence: missense variant. On other transcripts: non-coding transcript variant (4).
Genome position (GRCh38, 1-based): chr16:16,198,086, G>A on the plus strand (C>T on the coding strand, the complement: ABCC6 is on the minus strand). VCF-style: chr16-16198086-G-A. GRCh37 (hg19) VCF-style: chr16-16291943-G-A.
Other names: c.931C>T, p.Leu311Phe (NM_001351800.1); c.1273C>T, p.Leu425Phe (NM_001440309.1, NM_001440310.1); short protein forms L311F, L425F.
Identifiers: ClinVar variation 4810629 (VCV004810629.1).